The following is an entry in ClinVar:

ClinVar aggregate classification (germline): Uncertain significance (1 of 4 stars; one submission).

Submission:

Women's Health and Genetics/Laboratory Corporation of America, LabCorp
Classification: Uncertain significance. Last evaluated: 2024-05-13. Review status: criteria provided, single submitter. Criteria: LabCorp Variant Classification Summary - May 2015. Collection method: clinical testing. Allele origin: germline.
Comment: Variant summary: The variant involves the deletion of exon 5 in the SPTLC2 gene. A presumed nomenclature of c.(631+1_632-1)_(756+1_757-1)del has been designated for the purposes of this classification. This Copy Number Variant (CNV) is expected to alter the reading frame and predicted to result in a truncation or absence of the encoded protein due to nonsense mediated decay (NMD), however, currently available evidence is insufficient to establish whether loss-of-function variants in the SPTLC2 gene can cause disease. The variant was absent in 21694 control chromosomes (gnomAD Structural Variants v2.1 dataset). The available data on variant occurrences in the general population are insufficient to allow any conclusion about variant significance. To our knowledge, no occurrence of c.(631+1_632-1)_(756+1_757-1)del in individuals affected with Neuropathy, Hereditary Sensory And Autonomic, Type 1C and no experimental evidence demonstrating its impact on protein function have been reported. No submitters have cited clinical-significance assessments for this variant to ClinVar. Based on the evidence outlined above, the variant was classified as uncertain significance.

NC_000014.8:g.(78028833_78036726)_(78036852_78043109)del

Gene: SPTLC2 (serine palmitoyltransferase long chain base subunit 2; minus strand). Cytogenetic location: 14q24.3.
Variant type: Deletion.
Identifiers: ClinVar variation 3335985 (VCV003335985.1).